The following is an entry in ClinVar:

NM_024876.4(COQ8B):c.367+1G>A

Gene: COQ8B (coenzyme Q8B; minus strand). Cytogenetic location: 19q13.2.
Variant type: single nucleotide variant.
Coding change: c.367+1G>A on transcript NM_024876.4 (MANE Select); the canonical splice donor site of the intron after coding-DNA position 367, G replaced by A.
Molecular consequence: splice donor variant.
Genome position (GRCh38, 1-based): chr19:40,710,058, C>T on the plus strand (G>A on the coding strand, the complement: COQ8B is on the minus strand). VCF-style: chr19-40710058-C-T. GRCh37 (hg19) VCF-style: chr19-41215963-C-T.
Other names: c.367+1G>A (NM_001142555.3).
Identifiers: ClinVar variation 3064005 (VCV003064005.3), dbSNP rs143411357, ClinGen allele CA308448014.

ClinVar aggregate classification (germline): Pathogenic/Likely pathogenic. Review status: criteria provided, multiple submitters, no conflicts (2 of 4 stars). 2 submissions from 2 submitters: Pathogenic (1); Likely pathogenic (1). Last evaluated 2024-02-17.

Conditions:
Nephrotic syndrome, type 9 (NPHS9). Identifiers: Orphanet 656, MedGen C3809965, MONDO:0014257, OMIM 615573.

Allele frequency attached by ClinVar (database versions not stated): gnomAD 0.00004; TOPMed 0.00005; ESP Exome Variant Server 0.00008.
gnomAD v4.1: 11 of 1,613,610 alleles (0.00068%); highest among the groups gnomAD compares: African/African-American, 0.012%; no homozygotes.

Submissions (2):

Labcorp Genetics (formerly Invitae), Labcorp
Classification: Likely pathogenic. Last evaluated: 2024-02-17. Review status: criteria provided, single submitter. Criteria: Invitae Variant Classification Sherloc (09022015). Collection method: clinical testing. Allele origin: germline.
Comment: This sequence change affects a donor splice site in intron 5 of the COQ8B gene. It is expected to disrupt RNA splicing. Variants that disrupt the donor or acceptor splice site typically lead to a loss of protein function (PMID: 16199547), and loss-of-function variants in COQ8B are known to be pathogenic (PMID: 24270420). This variant is present in population databases (rs143411357, gnomAD 0.004%). Disruption of this splice site has been observed in individual(s) with clinical features of COQ8B-related conditions (PMID: 35483523). Algorithms developed to predict the effect of sequence changes on RNA splicing suggest that this variant may disrupt the consensus splice site. In summary, the currently available evidence indicates that the variant is pathogenic, but additional data are needed to prove that conclusively. Therefore, this variant has been classified as Likely Pathogenic.

Women's Health and Genetics/Laboratory Corporation of America, LabCorp
Classification: Pathogenic for Nephrotic syndrome, type 9. Last evaluated: 2024-01-19. Review status: criteria provided, single submitter. Criteria: LabCorp Variant Classification Summary - May 2015. Collection method: clinical testing. Allele origin: germline.
Comment: Variant summary: COQ8B c.367+1G>A is located in a canonical splice-site and is predicted to affect mRNA splicing resulting in a significantly altered protein due to either exon skipping, shortening, or inclusion of intronic material. Several computational tools predict a significant impact on normal splicing: Four predict the variant abolishes a 5' splicing donor site. However, these predictions have yet to be confirmed by functional studies. The variant allele was found at a frequency of 8e-06 in 251130 control chromosomes (gnomAD). To our knowledge, no occurrence of c.367+1G>A in individuals affected with Nephrotic Syndrome, Type 9 and no experimental evidence demonstrating its impact on protein function have been reported. No submitters have cited clinical-significance assessments for this variant to ClinVar. Based on the evidence outlined above, the variant was classified as pathogenic.

Literature cited by the submitters: PubMed 16199547 (cited by Labcorp Genetics (formerly Invitae), Labcorp); PubMed 24270420 (cited by Labcorp Genetics (formerly Invitae), Labcorp); PubMed 35483523 (cited by Labcorp Genetics (formerly Invitae), Labcorp).